The following is an entry in ClinVar:

ClinVar aggregate classification (germline): Uncertain significance (1 of 4 stars; one submission).

Conditions:
ESPL1-related disorder. Also called: ESPL1-related condition.

Submission:

PreventionGenetics, part of Exact Sciences
Classification: Uncertain significance for ESPL1-related condition. Last evaluated: 2023-06-16. Review status: criteria provided, single submitter. Criteria: ACMG Guidelines, 2015. Collection method: clinical testing. Allele origin: germline.
Comment: The ESPL1 c.3716C>A variant is predicted to result in premature protein termination (p.Ser1239*). To our knowledge, this variant has not been reported in the literature or in a large population database, indicating this variant is rare. To date, no known loss-of-function variants in this gene have been described in association with disease (Human Gene Mutation Database). At this time, the clinical significance of this variant is uncertain due to the absence of conclusive functional and genetic evidence.

NM_012291.5(ESPL1):c.3716C>A (p.Ser1239Ter)

Gene: ESPL1 (extra spindle pole bodies like 1, separase; plus strand). Cytogenetic location: 12q13.13.
Variant type: single nucleotide variant.
Coding change: c.3716C>A on transcript NM_012291.5 (MANE Select); coding-DNA position 3716, C replaced by A.
Protein change: p.Ser1239Ter; replaces serine 1239 with a stop codon.
Molecular consequence: nonsense.
Genome position (GRCh38, 1-based): chr12:53,286,452, C>A. VCF-style: chr12-53286452-C-A. GRCh37 (hg19) VCF-style: chr12-53680236-C-A.
Other names: short protein forms S1239*.
Identifiers: ClinVar variation 2632231 (VCV002632231.1), dbSNP rs2498523765, ClinGen allele CA385061735.